The following is an entry in ClinVar:

ClinVar aggregate classification (germline): Uncertain significance (0 of 4 stars; one submission).

Conditions:
NRP2-related disorder. Also called: NRP2-related condition.

gnomAD v4.1: 2 of 1,612,390 alleles (0.00012%); highest among the groups gnomAD compares: African/African-American, 0.0027%; no homozygotes.

Submission:

PreventionGenetics, part of Exact Sciences
Classification: Uncertain significance for NRP2-related condition. Last evaluated: 2023-10-20. Review status: no assertion criteria provided. Collection method: clinical testing. Allele origin: germline.
Comment: The NRP2 c.1903G>A variant is predicted to result in the amino acid substitution p.Asp635Asn. To our knowledge, this variant has not been reported in the literature. This variant is reported in 0.0062% of alleles in individuals of African descent in gnomAD. At this time, the clinical significance of this variant is uncertain due to the absence of conclusive functional and genetic evidence.

NM_003872.3(NRP2):c.1903G>A (p.Asp635Asn)

Gene: NRP2 (neuropilin 2; plus strand). Cytogenetic location: 2q33.3.
Variant type: single nucleotide variant.
Coding change: c.1903G>A on transcript NM_003872.3 (MANE Select); coding-DNA position 1903, G replaced by A.
Protein change: p.Asp635Asn; replaces aspartic acid 635 with asparagine.
Molecular consequence: missense variant.
Genome position (GRCh38, 1-based): chr2:205,749,841, G>A. VCF-style: chr2-205749841-G-A. GRCh37 (hg19) VCF-style: chr2-206614565-G-A.
Other names: c.1903G>A, p.Asp635Asn (NM_018534.4, NM_201266.2, NM_201267.2 and 1 more transcripts); short protein forms D635N.
Identifiers: ClinVar variation 3355082 (VCV003355082.1).